The following is an entry in ClinVar:

NM_000458.4(HNF1B):c.935dup (p.Leu313fs)

Gene: HNF1B (HNF1 homeobox B; minus strand). Cytogenetic location: 17q12.
Variant type: Duplication.
Coding change: c.935dup on transcript NM_000458.4 (MANE Select); coding-DNA position 935, one base duplicated (A; older notation c.935dupA).
Protein change: p.Leu313fs; shifts the reading frame from leucine 313.
Molecular consequence: frameshift variant.
Genome position (GRCh38, 1-based): chr17:37,731,705, T duplicated on the plus strand (A on the coding strand, the reverse complement: HNF1B is on the minus strand); the first of 4 consecutive T bases (chr17:37,731,705-37,731,708); duplicating any one gives the same sequence. VCF-style (leftmost placement, unchanged base first): chr17-37731704-C-CT. GRCh37 (hg19) VCF-style: chr17-36091695-C-CT.
Other names: NM_001304286.2:c.857dup; c.857dup, p.Leu287fs (NM_001165923.4, NM_001304286.2); c.932dup, p.Leu313Alafs (NM_001411100.1); short protein forms L287fs, L313fs.
Identifiers: ClinVar variation 2412749 (VCV002412749.1), dbSNP rs2511801331, ClinGen allele CA658795138.

ClinVar aggregate classification (germline): Likely pathogenic (1 of 4 stars; one submission).

Conditions:
Renal cysts and diabetes syndrome (RCAD). Also called: Familial hypoplastic, glomerulocystic kidney; MATURITY-ONSET DIABETES OF THE YOUNG, TYPE 5. Identifiers: Orphanet 93111, MedGen C0431693, MONDO:0007669, OMIM 137920.

Submission:

Broad Center for Mendelian Genomics, Broad Institute of MIT and Harvard
Classification: Likely pathogenic for Renal cysts and diabetes syndrome. Last evaluated: 2023-01-25. Review status: criteria provided, single submitter. Criteria: ACMG Guidelines, 2015. Collection method: curation. Allele origin: germline. Inheritance: Autosomal dominant inheritance.
Comment: The p.Leu313AlafsTer7 variant in HNF1B has not been previously reported in individuals with HNF1B-associated kidney disease. This variant was absent from large population studies. This variant is predicted to cause a frameshift, which alters the protein‚Äôs amino acid sequence beginning at position 313 and leads to a premature termination codon 7 amino acids downstream. This alteration is then predicted to lead to a truncated or absent protein. Heterozygous loss of function of the HNF1B gene is an established disease mechanism in autosomal dominant HNF1B-associated kidney disease. In summary, although additional studies are required to fully establish its clinical significance, this variant is likely pathogenic for HNF1B-associated kidney disease. ACMG/AMP Criteria applied: PVS1, PM2_Supporting (Richards 2015).